The following is an entry in ClinVar:

ClinVar aggregate classification (germline): Pathogenic (1 of 4 stars; one submission).

Conditions:
Hereditary cancer-predisposing syndrome. Also called: Neoplastic Syndromes, Hereditary; Tumor predisposition; Hereditary neoplastic syndrome; Hereditary Cancer Syndrome. Identifiers: Orphanet 140162, MedGen C0027672, MeSH D009386, MONDO:0015356.

Submission:

Ambry Genetics
Classification: Pathogenic for Hereditary cancer-predisposing syndrome. Last evaluated: 2026-09-14. Review status: criteria provided, single submitter. Criteria: Ambry Variant Classification Scheme 2023. Collection method: clinical testing. Allele origin: germline.
Comment: The c.1078dupA (p.I360Nfs*5) alteration, located in exon 10 (coding exon 10) of the PMS2 gene, consists of a duplication of A at position 1078, causing a translational frameshift with a predicted alternate stop codon after 5 amino acids. This alteration is expected to result in loss of function by premature protein truncation or nonsense-mediated mRNA decay. This variant was not reported in population-based cohorts in the Genome Aggregation Database (gnomAD). Based on the available evidence, this alteration is classified as pathogenic.

NM_000535.7(PMS2):c.1078dup (p.Ile360fs)

Gene: PMS2 (PMS1 homolog 2, mismatch repair system component; minus strand). Cytogenetic location: 7p22.1.
Variant type: Duplication.
Coding change: c.1078dup on transcript NM_000535.7 (MANE Select); coding-DNA position 1078, one base duplicated (A; older notation c.1078dupA).
Protein change: p.Ile360fs; shifts the reading frame from isoleucine 360.
Molecular consequence: frameshift variant. On other transcripts: non-coding transcript variant (1), intron variant (10).
Genome position (GRCh38, 1-based): chr7:5,989,866, T duplicated on the plus strand (A on the coding strand, the reverse complement: PMS2 is on the minus strand). VCF-style (leftmost placement, unchanged base first): chr7-5989865-A-AT. GRCh37 (hg19) VCF-style: chr7-6029496-A-AT.
Other names: c.1078dup, p.Ile360fs (NM_001322014.2, NM_001406871.1, NM_001406872.1); c.769dup, p.Ile257fs (NM_001322015.2, NM_001406875.1, NM_001406877.1 and 5 more transcripts); c.1264dup, p.Ile422fs (NM_001406866.1); c.1102dup, p.Ile368fs (NM_001406868.1); c.970dup, p.Ile324fs (NM_001406869.1); c.880dup, p.Ile294fs (NM_001406873.1); c.910dup, p.Ile304fs (NM_001406874.1); c.760dup, p.Ile254fs (NM_001406876.1, NM_001406883.1, NM_001406903.1 and 2 more transcripts); and 14 more; short protein forms I169fs, I225fs, I49fs, I254fs, I294fs, I422fs, I248fs, I257fs.
Identifiers: ClinVar variation 5026947 (VCV005026947.1).